The following is an entry in ClinVar:

ClinVar aggregate classification (germline): Uncertain significance (0 of 4 stars; one submission).

Conditions:
Prostate cancer. Also called: Malignant tumor of prostate. Identifiers: Orphanet 1331, MedGen C0376358, MONDO:0008315, HP:0012125.

Submission:

Science for Life laboratory,  Karolinska Institutet
Classification: Uncertain significance for Malignant tumor of prostate. Review status: no assertion criteria provided. Collection method: not provided. Allele origin: somatic.
Comment: TumorID:SWE-90B
ClinVar note: Converted during submission from Unknown to Uncertain significance.

NM_173517.6(VKORC1L1):c.493G>T (p.Glu165Ter)

Gene: VKORC1L1 (vitamin K epoxide reductase complex subunit 1L1; plus strand). Cytogenetic location: 7q11.21.
Variant type: single nucleotide variant.
Coding change: c.493G>T on transcript NM_173517.6 (MANE Select); coding-DNA position 493, G replaced by T.
Protein change: p.Glu165Ter; replaces glutamic acid 165 with a stop codon.
Molecular consequence: nonsense. On other transcripts: missense variant (1).
Genome position (GRCh38, 1-based): chr7:65,954,262, G>T. VCF-style: chr7-65954262-G-T. GRCh37 (hg19) VCF-style: chr7-65419249-G-T.
Other names: c.383G>T, p.Arg128Leu (NM_001284342.3); short protein forms E165*, R128L.
Identifiers: ClinVar variation 161827 (VCV000161827.2), dbSNP rs193921078, ClinGen allele CA174861.